The following is an entry in ClinVar:

NM_001394062.1(MACF1):c.2438A>C (p.Asn813Thr)

Gene: MACF1 (microtubule actin crosslinking factor 1; plus strand). Cytogenetic location: 1p34.3.
Variant type: single nucleotide variant.
Coding change: c.2438A>C on transcript NM_001394062.1 (MANE Select); coding-DNA position 2438, A replaced by C.
Protein change: p.Asn813Thr; replaces asparagine 813 with threonine.
Molecular consequence: missense variant.
Genome position (GRCh38, 1-based): chr1:39,297,702, A>C. VCF-style: chr1-39297702-A-C. GRCh37 (hg19) VCF-style: chr1-39763374-A-C.
Other names: c.2453A>C, p.Asn818Thr (NM_012090.5); short protein forms N813T, N818T.
Identifiers: ClinVar variation 1810188 (VCV001810188.1), dbSNP rs1245955636, ClinGen allele CA339771045.

ClinVar aggregate classification (germline): Uncertain significance (1 of 4 stars; one submission).

Allele frequency attached by ClinVar (database versions not stated): gnomAD 0.00001; TOPMed 0.00001.
gnomAD v4.1: 6 of 1,614,072 alleles (0.00037%); highest among the groups gnomAD compares: African/African-American, 0.0027%; no homozygotes.

Submission:

GeneDx
Classification: Uncertain significance. Last evaluated: 2022-07-01. Review status: criteria provided, single submitter. Criteria: GeneDx Variant Classification Process June 2021. Collection method: clinical testing. Allele origin: germline. Affected: yes.
Comment: In silico analysis supports that this missense variant has a deleterious effect on protein structure/function; Has not been previously published as pathogenic or benign to our knowledge